The following is an entry in ClinVar:

ClinVar aggregate classification (germline): Likely pathogenic (1 of 4 stars; one submission).

Conditions:
Hypohidrotic X-linked ectodermal dysplasia (XHED). Also called: ECTODERMAL DYSPLASIA, HYPOHIDROTIC, 1; CST SYNDROME; Ectodermal Dysplasia 1, Anhidrotic; Christ-Siemans-Touraine syndrome; ECTODERMAL DYSPLASIA 1; Anhidrotic ectodermal dysplasia X-linked. Identifiers: Orphanet 181, Orphanet 238468, MedGen C0162359, MONDO:0010585, OMIM 305100.

Submission:

Kasturba Medical College, Manipal, Kasturba Medical College, Manipal, Manipal Academy of Higher Education, Manipal, India
Classification: Likely pathogenic for Hypohidrotic X-linked ectodermal dysplasia. Last evaluated: 2025-11-14. Review status: criteria provided, single submitter. Criteria: ACMG Guidelines, 2015. Collection method: research. Allele origin: germline. Inheritance: X-linked recessive inheritance. Affected: yes.
Comment: The variant is absent in the homozygous and/or heterozygous state in the population database gnomAD (v4.1.0) and our in-house database of 3851 exomes. In-silico analysis tools (REVEL, CADD_phred) have predicted the variant as disease-causing and likely to affect the EDA protein function.

NM_001399.5(EDA):c.908T>C (p.Ile303Thr)

Gene: EDA (ectodysplasin A; plus strand). Cytogenetic location: Xq13.1.
Variant type: single nucleotide variant.
Coding change: c.908T>C on transcript NM_001399.5 (MANE Select); coding-DNA position 908, T replaced by C.
Protein change: p.Ile303Thr; replaces isoleucine 303 with threonine.
Molecular consequence: missense variant. On other transcripts: intron variant (1).
Genome position (GRCh38, 1-based): chrX:70,033,512, T>C. VCF-style: chrX-70033512-T-C. GRCh37 (hg19) VCF-style: chrX-69253362-T-C.
Other names: c.908T>C, p.Ile303Thr (NM_001005609.2); c.899T>C, p.Ile300Thr (NM_001005612.3, NM_001440761.1); c.882+26T>C (NM_001440762.1); short protein forms I300T, I303T.
Identifiers: ClinVar variation 4536611 (VCV004536611.1).